The following is an entry in ClinVar:

ClinVar aggregate classification (germline): Likely benign (1 of 4 stars; one submission).

Allele frequency attached by ClinVar (database versions not stated): gnomAD exomes 0.00002; gnomAD 0.00033 and 0.00039; TOPMed 0.00034.

Submission:

GeneDx
Classification: Likely benign. Last evaluated: 2017-03-08. Review status: criteria provided, single submitter. Criteria: GeneDx Variant Classification (06012015). Collection method: clinical testing. Allele origin: germline. Affected: yes.
Comment: This variant is considered likely benign or benign based on one or more of the following criteria: it is a conservative change, it occurs at a poorly conserved position in the protein, it is predicted to be benign by multiple in silico algorithms, and/or has population frequency not consistent with disease.

NM_006796.3(AFG3L2):c.-42G>A

Gene: AFG3L2 (AFG3 like matrix AAA peptidase subunit 2; minus strand). Cytogenetic location: 18p11.21.
Variant type: single nucleotide variant.
Coding change: c.-42G>A on transcript NM_006796.3 (MANE Select); 42 bases upstream of the start codon, G replaced by A.
Molecular consequence: 5 prime UTR variant.
Genome position (GRCh38, 1-based): chr18:12,377,124, C>T on the plus strand (G>A on the coding strand, the complement: AFG3L2 is on the minus strand). VCF-style: chr18-12377124-C-T. GRCh37 (hg19) VCF-style: chr18-12377123-C-T.
Identifiers: ClinVar variation 385029 (VCV000385029.1), dbSNP rs896948867, ClinGen allele CA16608711.